The following is an entry in ClinVar:

ClinVar aggregate classification (germline): Uncertain significance (1 of 4 stars; one submission).

gnomAD v4.1: 13 of 1,614,056 alleles (0.00081%); highest among the groups gnomAD compares: East Asian, 0.0022%; no homozygotes.

Submission:

Labcorp Genetics (formerly Invitae), Labcorp
Classification: Uncertain significance. Last evaluated: 2026-01-26. Review status: criteria provided, single submitter. Criteria: Invitae Variant Classification Sherloc (09022015). Collection method: clinical testing. Allele origin: germline.
Comment: This sequence change replaces alanine, which is neutral and non-polar, with threonine, which is neutral and polar, at codon 381 of the NLRP1 protein (p.Ala381Thr). This variant is present in population databases (rs551349608, gnomAD 0.005%). This variant has not been reported in the literature in individuals affected with NLRP1-related conditions. ClinVar contains an entry for this variant (Variation ID: 2869559). An algorithm developed to predict the effect of missense changes on protein structure and function outputs the following: PolyPhen-2: "Benign". The threonine amino acid residue is found in multiple mammalian species, which suggests that this missense change does not adversely affect protein function. In summary, the available evidence is currently insufficient to determine the role of this variant in disease. Therefore, it has been classified as a Variant of Uncertain Significance.

NM_033004.4(NLRP1):c.1141G>A (p.Ala381Thr)

Gene: NLRP1 (NLR family pyrin domain containing 1; minus strand). Cytogenetic location: 17p13.2.
Variant type: single nucleotide variant.
Coding change: c.1141G>A on transcript NM_033004.4 (MANE Select); coding-DNA position 1141, G replaced by A.
Protein change: p.Ala381Thr; replaces alanine 381 with threonine.
Molecular consequence: missense variant.
Genome position (GRCh38, 1-based): chr17:5,559,555, C>T on the plus strand (G>A on the coding strand, the complement: NLRP1 is on the minus strand). VCF-style: chr17-5559555-C-T. GRCh37 (hg19) VCF-style: chr17-5462875-C-T.
Other names: c.1141G>A, p.Ala381Thr (NM_001033053.3, NM_014922.5, NM_033006.4 and 1 more transcripts); short protein forms A381T.
Identifiers: ClinVar variation 2869559 (VCV002869559.3), dbSNP rs551349608, ClinGen allele CA8327423.